The following is an entry in ClinVar:

NM_000218.3(KCNQ1):c.926C>T (p.Thr309Ile)

Gene: KCNQ1 (potassium voltage-gated channel subfamily Q member 1; plus strand). Cytogenetic location: 11p15.5.
Variant type: single nucleotide variant.
Coding change: c.926C>T on transcript NM_000218.3 (MANE Select); coding-DNA position 926, C replaced by T.
Protein change: p.Thr309Ile; replaces threonine 309 with isoleucine.
Molecular consequence: missense variant.
Genome position (GRCh38, 1-based): chr11:2,583,439, C>T. VCF-style: chr11-2583439-C-T. GRCh37 (hg19) VCF-style: chr11-2604669-C-T.
Other names: c.926C>T (LRG_287t1); c.926C>T, p.Thr309Ile (NM_001406836.1); c.656C>T, p.Thr219Ile (NM_001406837.1); c.482C>T, p.Thr161Ile (NM_001406838.1); c.545C>T, p.Thr182Ile (NM_181798.2); short protein forms T309I, T182I, T161I, T219I.
Identifiers: ClinVar variation 53132 (VCV000053132.9), dbSNP rs199472743, ClinGen allele CA008720.

ClinVar aggregate classification (germline): Pathogenic. Review status: criteria provided, single submitter (1 of 4 stars). 2 submissions from 2 submitters: Pathogenic (1). 1 of the submissions does not count toward it. Last evaluated 2024-09-14.

Conditions:
Familial long QT syndrome (RWS). Also called: Congenital long QT syndrome; Romano-Ward syndrome; VENTRICULAR FIBRILLATION WITH PROLONGED QT INTERVAL. Identifiers: Orphanet 768, MedGen C1141890, MONDO:0019171.
Long QT syndrome (LQTS). Identifiers: MedGen C0023976, MeSH D008133, MONDO:0002442. Disease mechanism: loss of function. Inheritance: Various modes of inheritance.

Allele frequency attached by ClinVar (database versions not stated): TOPMed below 0.00001.

Submissions (2):

Labcorp Genetics (formerly Invitae), Labcorp
Classification: Pathogenic for Long QT syndrome. Last evaluated: 2024-09-14. Review status: criteria provided, single submitter. Criteria: Invitae Variant Classification Sherloc (09022015). Collection method: clinical testing. Allele origin: germline.
Comment: This sequence change replaces threonine, which is neutral and polar, with isoleucine, which is neutral and non-polar, at codon 309 of the KCNQ1 protein (p.Thr309Ile). This variant is not present in population databases (gnomAD no frequency). This missense change has been observed in individuals with Long QT syndrome (PMID: 9482580, 11802537, 26118593). ClinVar contains an entry for this variant (Variation ID: 53132). Invitae Evidence Modeling of protein sequence and biophysical properties (such as structural, functional, and spatial information, amino acid conservation, physicochemical variation, residue mobility, and thermodynamic stability) indicates that this missense variant is expected to disrupt KCNQ1 protein function with a positive predictive value of 95%. Experimental studies have shown that this missense change affects KCNQ1 function (PMID: 33574382). For these reasons, this variant has been classified as Pathogenic.

Cardiovascular Biomedical Research Unit, Royal Brompton & Harefield NHS Foundation Trust
No classification provided. Condition: Familial long QT syndrome. Review status: no classification provided. Collection method: literature only. Allele origin: germline. Not counted in ClinVar's aggregate classification.
Comment: This variant has been reported as associated with Long QT syndrome in the following publications (PMID:11802537). This is a literature report, and does not necessarily reflect the clinical interpretation of the Imperial College / Royal Brompton Cardiovascular Genetics laboratory.

Literature cited by the submitters: PubMed 9482580 (cited by Labcorp Genetics (formerly Invitae), Labcorp); PubMed 11802537 (cited by Labcorp Genetics (formerly Invitae), Labcorp and Cardiovascular Biomedical Research Unit, Royal Brompton & Harefield NHS Foundation Trust); PubMed 26118593 (cited by Labcorp Genetics (formerly Invitae), Labcorp); PubMed 33574382 (cited by Labcorp Genetics (formerly Invitae), Labcorp); PubMed 22581653 (cited by Cardiovascular Biomedical Research Unit, Royal Brompton & Harefield NHS Foundation Trust).